The following is an entry in ClinVar:

NM_144997.7(FLCN):c.1514T>C (p.Val505Ala)

Gene: FLCN (folliculin; minus strand). Cytogenetic location: 17p11.2.
Variant type: single nucleotide variant.
Coding change: c.1514T>C on transcript NM_144997.7 (MANE Select); coding-DNA position 1514, T replaced by C.
Protein change: p.Val505Ala; replaces valine 505 with alanine.
Molecular consequence: missense variant.
Genome position (GRCh38, 1-based): chr17:17,215,009, A>G on the plus strand (T>C on the coding strand, the complement: FLCN is on the minus strand). VCF-style: chr17-17215009-A-G. GRCh37 (hg19) VCF-style: chr17-17118323-A-G.
Other names: c.1568T>C, p.Val523Ala (NM_001353229.2); c.1514T>C, p.Val505Ala (NM_001353230.2, NM_001353231.2); short protein forms V523A, V505A.
Identifiers: ClinVar variation 3701451 (VCV003701451.3).

ClinVar aggregate classification (germline): Uncertain significance. Review status: criteria provided, multiple submitters, no conflicts (2 of 4 stars). 2 submissions from 2 submitters: Uncertain significance (2). Last evaluated 2025-11-12.

Conditions:
Birt-Hogg-Dube syndrome. Also called: Birt Hogg Dubé syndrome. Identifiers: Orphanet 122, MedGen C0346010, MONDO:0800444.
Hereditary cancer-predisposing syndrome. Also called: Hereditary Cancer Syndrome; Neoplastic Syndromes, Hereditary; Tumor predisposition; Hereditary neoplastic syndrome. Identifiers: Orphanet 140162, MedGen C0027672, MeSH D009386, MONDO:0015356.

Submissions (2):

Ambry Genetics
Classification: Uncertain significance for Hereditary cancer-predisposing syndrome. Last evaluated: 2025-11-12. Review status: criteria provided, single submitter. Criteria: Ambry Variant Classification Scheme 2023. Collection method: clinical testing. Allele origin: germline.
Comment: The p.V505A variant (also known as c.1514T>C), located in coding exon 10 of the FLCN gene, results from a T to C substitution at nucleotide position 1514. The valine at codon 505 is replaced by alanine, an amino acid with similar properties. This amino acid position is conserved. In addition, the in silico prediction for this alteration is inconclusive. Based on the available evidence, the clinical significance of this variant remains unclear.

Labcorp Genetics (formerly Invitae), Labcorp
Classification: Uncertain significance for Birt-Hogg-Dube syndrome. Last evaluated: 2024-06-30. Review status: criteria provided, single submitter. Criteria: Invitae Variant Classification Sherloc (09022015). Collection method: clinical testing. Allele origin: germline.
Comment: This sequence change replaces valine, which is neutral and non-polar, with alanine, which is neutral and non-polar, at codon 505 of the FLCN protein (p.Val505Ala). This variant is not present in population databases (gnomAD no frequency). This variant has not been reported in the literature in individuals affected with FLCN-related conditions. Advanced modeling of protein sequence and biophysical properties (such as structural, functional, and spatial information, amino acid conservation, physicochemical variation, residue mobility, and thermodynamic stability) performed at Invitae indicates that this missense variant is not expected to disrupt FLCN protein function with a negative predictive value of 80%. In summary, the available evidence is currently insufficient to determine the role of this variant in disease. Therefore, it has been classified as a Variant of Uncertain Significance.